The following is an entry in ClinVar:

NM_006662.3(SRCAP):c.9150T>A (p.Ser3050Arg)

Gene: SRCAP (Snf2 related CREBBP activator protein; plus strand). Cytogenetic location: 16p11.2.
Variant type: single nucleotide variant.
Coding change: c.9150T>A on transcript NM_006662.3 (MANE Select); coding-DNA position 9150, T replaced by A.
Protein change: p.Ser3050Arg; replaces serine 3050 with arginine.
Molecular consequence: missense variant.
Genome position (GRCh38, 1-based): chr16:30,739,190, T>A. VCF-style: chr16-30739190-T-A. GRCh37 (hg19) VCF-style: chr16-30750511-T-A.
Other names: short protein forms S3050R.
Identifiers: ClinVar variation 2164265 (VCV002164265.29), dbSNP rs557654038, ClinGen allele CA8012842.

ClinVar aggregate classification (germline): Uncertain significance. Review status: criteria provided, multiple submitters, no conflicts (2 of 4 stars). 3 submissions from 3 submitters: Uncertain significance (3). Last evaluated 2025-01-05.

Conditions:
Floating-Harbor syndrome (FLHS). Also called: Short stature with delayed bone age, expressive language delay, a triangular face with a prominent nose and deep-set eyes; Pelletier-Leisti syndrome; SRCAP-Related Floating-Harbor Syndrome. Identifiers: Orphanet 2044, MedGen C0729582, MONDO:0007621, OMIM 136140.
Developmental delay, hypotonia, musculoskeletal defects, and behavioral abnormalities. Identifiers: MedGen C5562012, MONDO:0859202, OMIM 619595.

Allele frequency attached by ClinVar (database versions not stated): gnomAD 0.00001; TOPMed 0.00001; 1000 Genomes Project 0.00020; 1000 Genomes Project 30x 0.00031.
gnomAD v4.1: 15 of 1,613,184 alleles (0.00093%); highest among the groups gnomAD compares: African/African-American, 0.0027%; no homozygotes.

Submissions (3):

Labcorp Genetics (formerly Invitae), Labcorp
Classification: Uncertain significance. Last evaluated: 2025-01-05. Review status: criteria provided, single submitter. Criteria: Invitae Variant Classification Sherloc (09022015). Collection method: clinical testing. Allele origin: germline.
Comment: This sequence change replaces serine, which is neutral and polar, with arginine, which is basic and polar, at codon 3050 of the SRCAP protein (p.Ser3050Arg). This variant is present in population databases (rs557654038, gnomAD 0.007%). This variant has not been reported in the literature in individuals affected with SRCAP-related conditions. ClinVar contains an entry for this variant (Variation ID: 2164265). Invitae Evidence Modeling of protein sequence and biophysical properties (such as structural, functional, and spatial information, amino acid conservation, physicochemical variation, residue mobility, and thermodynamic stability) indicates that this missense variant is not expected to disrupt SRCAP protein function with a negative predictive value of 80%. In summary, the available evidence is currently insufficient to determine the role of this variant in disease. Therefore, it has been classified as a Variant of Uncertain Significance.

CeGaT Center for Human Genetics Tuebingen
Classification: Uncertain significance. Last evaluated: 2023-07-01. Review status: criteria provided, single submitter. Criteria: CeGaT Center For Human Genetics Tuebingen Variant Classification Criteria Version 2. Collection method: clinical testing. Allele origin: germline. Affected: yes. Observed: 1 variant allele.

Department of Pathology and Laboratory Medicine, Sinai Health System
Classification: Uncertain significance for Floating-Harbor syndrome; Developmental delay, hypotonia, musculoskeletal defects, and behavioral abnormalities. Last evaluated: 2021-07-30. Review status: criteria provided, single submitter. Criteria: ACMG Guidelines, 2015. Collection method: research. Allele origin: germline.